The following is an entry in ClinVar:

NM_001163809.2(WDR81):c.5582C>T (p.Pro1861Leu)

Gene: WDR81 (WD repeat domain 81; plus strand). Cytogenetic location: 17p13.3.
Variant type: single nucleotide variant.
Coding change: c.5582C>T on transcript NM_001163809.2 (MANE Select); coding-DNA position 5582, C replaced by T.
Protein change: p.Pro1861Leu; replaces proline 1861 with leucine.
Molecular consequence: missense variant.
Genome position (GRCh38, 1-based): chr17:1,737,441, C>T. VCF-style: chr17-1737441-C-T. GRCh37 (hg19) VCF-style: chr17-1640735-C-T.
Other names: c.1973C>T, p.Pro658Leu (NM_001163673.2); c.1901C>T, p.Pro634Leu (NM_001163811.2); c.2429C>T, p.Pro810Leu (NM_152348.4); short protein forms P634L, P1861L, P658L, P810L.
Identifiers: ClinVar variation 684558 (VCV000684558.32), dbSNP rs151078477, ClinGen allele CA8273929.
Genomic context (GRCh38, chr17:1,737,441, plus strand): 5'-TCCTGGTCAGCTCCTCCTCTGACCATTCCTTGACCGTCTGGAAGGAGCTGGAGCAGAAGC[C>T]CACCCATCACTACAAGTCAGCATCCGACCCCATCCACACCTTTGACCTGTACGGCAGCGA-3'
Protein context (NP_001157281.1, residues 1851-1871): LTVWKELEQK[Pro1861Leu]THHYKSASDP

ClinVar aggregate classification (germline): Uncertain significance. Review status: criteria provided, multiple submitters, no conflicts (2 of 4 stars). 2 submissions from 2 submitters: Uncertain significance (2). Last evaluated 2025-03-09.

Conditions:
Inborn genetic diseases. Identifiers: MedGen C0950123, MeSH D030342.
Cerebellar ataxia, impaired intellectual development, and dysequilibrium syndrome 2. Also called: CEREBELLAR ATAXIA, MENTAL RETARDATION, AND DYSEQUILIBRIUM SYNDROME 2; CEREBELLAR ATAXIA AND MENTAL RETARDATION WITH OR WITHOUT QUADRUPEDAL LOCOMOTION 2; Cerebellar ataxia, intellectual disability, and dysequilibrium syndrome 2. Identifiers: Orphanet 1766, MedGen C2750234, MONDO:0012430, OMIM 610185.

Allele frequency attached by ClinVar (database versions not stated): 1000 Genomes Project 30x 0.00047; gnomAD 0.00024 and 0.00027; TOPMed 0.00029; ExAC 0.00035; ESP Exome Variant Server 0.00038; 1000 Genomes Project 0.00060; gnomAD exomes 0.00034.

Submissions (2):

Ambry Genetics
Classification: Uncertain significance for Inborn genetic diseases. Last evaluated: 2025-03-09. Review status: criteria provided, single submitter. Criteria: Ambry Variant Classification Scheme 2023. Collection method: clinical testing. Allele origin: germline.

CeGaT Center for Human Genetics Tuebingen
Classification: Uncertain significance. Last evaluated: 2023-04-01. Review status: criteria provided, single submitter. Criteria: CeGaT Center For Human Genetics Tuebingen Variant Classification Criteria Version 2. Collection method: clinical testing. Allele origin: germline. Affected: yes. Observed: 1 variant allele.